The following is an entry in ClinVar:

NM_014141.6(CNTNAP2):c.754+14G>C

Gene: CNTNAP2 (contactin associated protein 2; plus strand). Cytogenetic location: 7q35.
Variant type: single nucleotide variant.
Coding change: c.754+14G>C on transcript NM_014141.6 (MANE Select); 14 bases into the intron after coding-DNA position 754, G replaced by C.
Molecular consequence: intron variant.
Genome position (GRCh38, 1-based): chr7:147,108,364, G>C. VCF-style: chr7-147108364-G-C. GRCh37 (hg19) VCF-style: chr7-146805456-G-C.
Identifiers: ClinVar variation 509684 (VCV000509684.9), dbSNP rs745882468, ClinGen allele CA4545874.

ClinVar aggregate classification (germline): Likely benign. Review status: criteria provided, multiple submitters, no conflicts (2 of 4 stars). 2 submissions from 2 submitters: Likely benign (2). Last evaluated 2024-06-07.

Conditions:
Cortical dysplasia-focal epilepsy syndrome (PTHSL1). Also called: Pitt-Hopkins-like syndrome 1. Identifiers: Orphanet 163681, Orphanet 221150, MedGen C2750246, MONDO:0012400, OMIM 610042.

Allele frequency attached by ClinVar (database versions not stated): gnomAD exomes below 0.00001 and 0.00001; TOPMed below 0.00001; ExAC 0.00002.
gnomAD v4.1: 6 of 1,607,760 alleles (0.00037%); highest among the groups gnomAD compares: African/African-American, 0.0013%; no homozygotes.

Submissions (2):

Labcorp Genetics (formerly Invitae), Labcorp
Classification: Likely benign for Cortical dysplasia-focal epilepsy syndrome. Last evaluated: 2024-06-07. Review status: criteria provided, single submitter. Criteria: Invitae Variant Classification Sherloc (09022015). Collection method: clinical testing. Allele origin: germline.

GeneDx
Classification: Likely benign. Last evaluated: 2017-05-22. Review status: criteria provided, single submitter. Criteria: GeneDx Variant Classification (06012015). Collection method: clinical testing. Allele origin: germline. Affected: yes.
Comment: This variant is considered likely benign or benign based on one or more of the following criteria: it is a conservative change, it occurs at a poorly conserved position in the protein, it is predicted to be benign by multiple in silico algorithms, and/or has population frequency not consistent with disease.